The following is an entry in ClinVar:

ClinVar aggregate classification (germline): Likely pathogenic (1 of 4 stars; one submission).

Conditions:
Congenital microcephaly - severe encephalopathy - progressive cerebral atrophy syndrome. Also called: ASNS DEFICIENCY; Asparagine synthetase deficiency. Identifiers: Orphanet 391376, MedGen C3809971, MONDO:0014258, OMIM 615574.

Submission:

Natera, Inc.
Classification: Likely pathogenic for Asparagine synthetase deficiency. Last evaluated: 2024-08-08. Review status: criteria provided, single submitter. Criteria: Natera Variant Classification Schema (03/2026). Collection method: clinical testing. Allele origin: germline.
Comment: The c.492_496dup variant in ASNS is a frameshift variant predicted to shift the reading frame beginning at codon 166 and leads to a stop codon 4 codons downstream. This variant is expected to result in nonsense mediated decay, truncation, or a dysfunctional protein product. This variant is rare in the general population with a frequency below the threshold expected for the associated phenotype(s). Given the available evidence, this variant is classified as Likely Pathogenic.

NM_001673.5(ASNS):c.492_496dup (p.Thr166fs)

Genes: ASNS (asparagine synthetase (glutamine-hydrolyzing); minus strand), CZ1P-ASNS (CZ1P-ASNS readthrough; minus strand). Cytogenetic location: 7q21.3.
Variant type: Duplication.
Coding change: c.492_496dup on transcript NM_001673.5 (MANE Select); coding-DNA positions 492 to 496, 5 bases duplicated (TGTTA; older notation c.492_496dupTGTTA).
Protein change: p.Thr166fs; shifts the reading frame from threonine 166.
Molecular consequence: frameshift variant. On other transcripts: non-coding transcript variant (1).
Genome position (GRCh38, 1-based): chr7:97,859,390-97,859,394, TAACA duplicated on the plus strand (TGTTA on the coding strand, the reverse complement: ASNS is on the minus strand). VCF-style (leftmost placement, unchanged base first): chr7-97859389-G-GTAACA. GRCh37 (hg19) VCF-style: chr7-97488701-G-GTAACA.
Other names: c.429_433dup, p.Thr145fs (NM_001178075.2); c.243_247dup, p.Thr83fs (NM_001178076.2, NM_001178077.1); c.492_496dup, p.Thr166fs (NM_001352496.2, NM_133436.3, NM_183356.4); short protein forms T145fs, T166fs, T83fs.
Identifiers: ClinVar variation 4816508 (VCV004816508.1).
Genomic context (GRCh38, chr7:97,859,389, plus strand): 5'-TCATAGTGTCCAGGAAGAAAAGGCTCCACTTTTAAAAAGGGAGTCGCGGAGTGCTTCAAT[G>GTAACA]TAACAAGACCTAGAAATTCACAATGATACCTTTATTCAAATTAGGTAACCCTTCCCAATA-3'